The following is an entry in ClinVar:

NM_000206.3(IL2RG):c.1091C>A (p.Thr364Asn)

Gene: IL2RG (interleukin 2 receptor subunit gamma; minus strand). Cytogenetic location: Xq13.1.
Variant type: single nucleotide variant.
Coding change: c.1091C>A on transcript NM_000206.3 (MANE Select); coding-DNA position 1091, C replaced by A.
Protein change: p.Thr364Asn; replaces threonine 364 with asparagine.
Molecular consequence: missense variant.
Genome position (GRCh38, 1-based): chrX:71,107,755, G>T on the plus strand (C>A on the coding strand, the complement: IL2RG is on the minus strand). VCF-style: chrX-71107755-G-T. GRCh37 (hg19) VCF-style: chrX-70327605-G-T.
Other names: short protein forms T364N.
Identifiers: ClinVar variation 2856740 (VCV002856740.4), dbSNP rs768291371, ClinGen allele CA413627587.
Genomic context (GRCh38, chrX:71,107,755, plus strand): 5'-GGCTACAGGACCCTGGGGTTCTTCTGTCAGAGGATTGGGGTTCAGGTTTCAGGCTTTAGG[G>T]TGTAACATGGGGGGGCCCAGTAGGGGCTATGCTGGTTGCATGGGGAGGCCCCAGGCCCCT-3'
Protein context (NP_000197.1, residues 354-369): HSPYWAPPCY[Thr364Asn]LKPET

ClinVar aggregate classification (germline): Conflicting classifications of pathogenicity. Review status: criteria provided, conflicting classifications (1 of 4 stars). 2 submissions from 2 submitters: Uncertain significance (1); Likely benign (1). Last evaluated 2023-07-20.

Conditions:
X-linked severe combined immunodeficiency (SCIDX1). Also called: X-Linked Combined Immunodeficiency Diseases; IMMUNODEFICIENCY 4; SCID, X-LINKED; SEVERE COMBINED IMMUNODEFICIENCY, X-LINKED, T CELL-NEGATIVE, B CELL-POSITIVE, NK CELL-NEGATIVE; T-B+ severe combined immunodeficiency due to gamma chain deficiency. Identifiers: Orphanet 276, MedGen C6022468, MONDO:0010315, OMIM 300400. Disease mechanism: loss of function.

Allele frequency attached by ClinVar (database versions not stated): gnomAD 0.00001; TOPMed 0.00001.
gnomAD v4.1: 1 of 1,144,634 alleles (0.000087%); highest among the groups gnomAD compares: African/African-American, 0.0018%; no homozygotes.

Submissions (2):

GeneDx
Classification: Uncertain significance. Last evaluated: 2023-07-20. Review status: criteria provided, single submitter. Criteria: GeneDx Variant Classification Process June 2021. Collection method: clinical testing. Allele origin: germline. Affected: yes.
Comment: Not observed at significant frequency in large population cohorts (gnomAD); In silico analysis supports that this missense variant does not alter protein structure/function; Has not been previously published as pathogenic or benign to our knowledge

Labcorp Genetics (formerly Invitae), Labcorp
Classification: Likely benign for X-linked severe combined immunodeficiency. Last evaluated: 2023-04-15. Review status: criteria provided, single submitter. Criteria: Invitae Variant Classification Sherloc (09022015). Collection method: clinical testing. Allele origin: germline.